The following is an entry in ClinVar:

ClinVar aggregate classification (germline): Uncertain significance. Review status: criteria provided, multiple submitters, no conflicts (2 of 4 stars). 2 submissions from 2 submitters: Uncertain significance (2). Last evaluated 2021-12-09.

Conditions:
Hereditary cancer-predisposing syndrome. Also called: Neoplastic Syndromes, Hereditary; Tumor predisposition; Hereditary Cancer Syndrome; Hereditary neoplastic syndrome. Identifiers: Orphanet 140162, MedGen C0027672, MeSH D009386, MONDO:0015356.
Tuberous sclerosis 2 (TSC2). Identifiers: Orphanet 805, MedGen C1860707, MONDO:0013199, OMIM 613254.

Submissions (2):

Labcorp Genetics (formerly Invitae), Labcorp
Classification: Uncertain significance for Tuberous sclerosis 2. Last evaluated: 2021-12-09. Review status: criteria provided, single submitter. Criteria: Invitae Variant Classification Sherloc (09022015). Collection method: clinical testing. Allele origin: germline.
Comment: This sequence change replaces methionine, which is neutral and non-polar, with isoleucine, which is neutral and non-polar, at codon 168 of the TSC2 protein (p.Met168Ile). This variant is not present in population databases (gnomAD no frequency). This variant has not been reported in the literature in individuals affected with TSC2-related conditions. Advanced modeling of protein sequence and biophysical properties (such as structural, functional, and spatial information, amino acid conservation, physicochemical variation, residue mobility, and thermodynamic stability) performed at Invitae indicates that this missense variant is not expected to disrupt TSC2 protein function. In summary, the available evidence is currently insufficient to determine the role of this variant in disease. Therefore, it has been classified as a Variant of Uncertain Significance.

Ambry Genetics
Classification: Uncertain significance for Hereditary cancer-predisposing syndrome. Last evaluated: 2020-10-29. Review status: criteria provided, single submitter. Criteria: Ambry Variant Classification Scheme 2023. Collection method: clinical testing. Allele origin: germline.
Comment: The p.M168I variant (also known as c.504G>A), located in coding exon 5 of the TSC2 gene, results from a G to A substitution at nucleotide position 504. The methionine at codon 168 is replaced by isoleucine, an amino acid with highly similar properties. This amino acid position is highly conserved in available vertebrate species. In addition, this alteration is predicted to be deleterious by in silico analysis. Since supporting evidence is limited at this time, the clinical significance of this alteration remains unclear.

NM_000548.5(TSC2):c.504G>A (p.Met168Ile)

Gene: TSC2 (TSC complex subunit 2; plus strand). Cytogenetic location: 16p13.3.
Variant type: single nucleotide variant.
Coding change: c.504G>A on transcript NM_000548.5 (MANE Select); coding-DNA position 504, G replaced by A.
Protein change: p.Met168Ile; replaces methionine 168 with isoleucine.
Molecular consequence: missense variant. On other transcripts: intron variant (1).
Genome position (GRCh38, 1-based): chr16:2,055,424, G>A. VCF-style: chr16-2055424-G-A. GRCh37 (hg19) VCF-style: chr16-2105425-G-A.
Other names: c.504G>A, p.Met168Ile (NM_001077183.3, NM_001114382.3, NM_001363528.2 and 8 more transcripts); c.393G>A, p.Met131Ile (NM_001318827.2, NM_001406670.1, NM_001406678.1); c.357G>A, p.Met119Ile (NM_001318829.2, NM_001406675.1, NM_001406676.1 and 1 more transcripts); c.537G>A, p.Met179Ile (NM_001318832.2); c.594G>A, p.Met198Ile (NM_001406667.1, NM_001406668.1); c.447G>A, p.Met149Ile (NM_001406677.1); c.-313G>A (NM_001406680.1, NM_001406683.1, NM_001406687.1); c.42G>A, p.Met14Ile (NM_001406681.1); and 6 more; short protein forms M198I, M119I, M168I, M179I, M131I, M14I, M149I.
Identifiers: ClinVar variation 1745015 (VCV001745015.7), dbSNP rs748692173, ClinGen allele CA394309174.
Genomic context (GRCh38, chr16:2,055,424, plus strand): 5'-TTCGGCGTCCTCGCAAACTGCCGCCGCTTCTCCCCCAGCTGACTTTGTCCTGCAGTGGAT[G>A]GATGTTGGCTTGTCCTCGGAATTCCTTCTGGTGCTGGTGAACTTGGTCAAATTCAATAGC-3'
Protein context (NP_000539.2, residues 158-178): EELADFVLQW[Met168Ile]DVGLSSEFLL